The following is an entry in ClinVar:

ClinVar aggregate classification (germline): Uncertain significance (1 of 4 stars; one submission).

Submission:

Labcorp Genetics (formerly Invitae), Labcorp
Classification: Uncertain significance. Last evaluated: 2022-08-23. Review status: criteria provided, single submitter. Criteria: Invitae Variant Classification Sherloc (09022015). Collection method: clinical testing. Allele origin: germline.
Comment: This sequence change replaces proline, which is neutral and non-polar, with threonine, which is neutral and polar, at codon 988 of the PHIP protein (p.Pro988Thr). This variant is not present in population databases (gnomAD no frequency). This variant has not been reported in the literature in individuals affected with PHIP-related conditions. Experimental studies and prediction algorithms are not available or were not evaluated, and the functional significance of this variant is currently unknown. In summary, the available evidence is currently insufficient to determine the role of this variant in disease. Therefore, it has been classified as a Variant of Uncertain Significance.

NM_017934.7(PHIP):c.2962C>A (p.Pro988Thr)

Genes: IRAK1BP1 (interleukin 1 receptor associated kinase 1 binding protein 1; plus strand), PHIP (PHIP subunit of CUL4-Ring ligase complex; minus strand). Cytogenetic location: 6q14.1.
Variant type: single nucleotide variant.
Coding change: c.2962C>A on transcript NM_017934.7 (MANE Select); coding-DNA position 2962, C replaced by A.
Protein change: p.Pro988Thr; replaces proline 988 with threonine.
Molecular consequence: missense variant.
Genome position (GRCh38, 1-based): chr6:78,970,816, G>T on the plus strand (C>A on the coding strand, the complement: PHIP is on the minus strand). VCF-style: chr6-78970816-G-T. GRCh37 (hg19) VCF-style: chr6-79680533-G-T.
Other names: short protein forms P988T.
Identifiers: ClinVar variation 1717824 (VCV001717824.5), dbSNP rs1582133714, ClinGen allele CA364648211.